The following is an entry in ClinVar:

ClinVar aggregate classification (germline): Uncertain significance (1 of 4 stars; one submission).

Allele frequency attached by ClinVar (database versions not stated): ExAC 0.00001; gnomAD exomes 0.00001.

Submission:

Labcorp Genetics (formerly Invitae), Labcorp
Classification: Uncertain significance. Last evaluated: 2022-10-26. Review status: criteria provided, single submitter. Criteria: Invitae Variant Classification Sherloc (09022015). Collection method: clinical testing. Allele origin: germline.
Comment: In summary, the available evidence is currently insufficient to determine the role of this variant in disease. Therefore, it has been classified as a Variant of Uncertain Significance. This sequence change replaces alanine, which is neutral and non-polar, with valine, which is neutral and non-polar, at codon 267 of the TRIM8 protein (p.Ala267Val). This variant is present in population databases (rs772551425, gnomAD 0.003%). This variant has not been reported in the literature in individuals affected with TRIM8-related conditions. Algorithms developed to predict the effect of missense changes on protein structure and function are either unavailable or do not agree on the potential impact of this missense change (SIFT: "Deleterious"; PolyPhen-2: "Benign"; Align-GVGD: "Class C55").

NM_030912.3(TRIM8):c.800C>T (p.Ala267Val)

Gene: TRIM8 (tripartite motif containing 8; plus strand). Cytogenetic location: 10q24.32.
Variant type: single nucleotide variant.
Coding change: c.800C>T on transcript NM_030912.3 (MANE Select); coding-DNA position 800, C replaced by T.
Protein change: p.Ala267Val; replaces alanine 267 with valine.
Molecular consequence: missense variant. On other transcripts: non-coding transcript variant (1).
Genome position (GRCh38, 1-based): chr10:102,655,213, C>T. VCF-style: chr10-102655213-C-T. GRCh37 (hg19) VCF-style: chr10-104414970-C-T.
Other names: c.704C>T, p.Ala235Val (NM_001345950.1); short protein forms A267V, A235V.
Identifiers: ClinVar variation 2045755 (VCV002045755.4), dbSNP rs772551425, ClinGen allele CA5668164.